The following is an entry in ClinVar:

NR_003051.4(RMRP):n.267T>G

Gene: RMRP (RNA component of mitochondrial RNA processing endoribonuclease; minus strand). Cytogenetic location: 9p13.3.
Variant type: single nucleotide variant.
Genome position: GRCh38 VCF-style: chr9-35657753-A-C. GRCh37 (hg19) VCF-style: chr9-35657750-A-C.
Identifiers: ClinVar variation 2199597 (VCV002199597.2), dbSNP rs557906740, ClinGen allele CA5045811.

ClinVar aggregate classification (germline): Uncertain significance. Review status: criteria provided, multiple submitters, no conflicts (2 of 4 stars). 2 submissions from 2 submitters: Uncertain significance (2). Last evaluated 2025-10-20.

Conditions:
Anauxetic dysplasia. Identifiers: Orphanet 93347, MedGen C1846796, MONDO:0011773.

Allele frequency attached by ClinVar (database versions not stated): ExAC 0.00017; 1000 Genomes Project 30x 0.00062; 1000 Genomes Project 0.00080.
gnomAD v4.1: 17 of 684,628 alleles (0.0025%); highest among the groups gnomAD compares: South Asian, 0.026%; no homozygotes.

Submissions (2):

Women's Health and Genetics/Laboratory Corporation of America, LabCorp
Classification: Uncertain significance. Last evaluated: 2025-10-20. Review status: criteria provided, single submitter. Criteria: LabCorp Variant Classification Summary - May 2015. Collection method: clinical testing. Allele origin: germline.
Comment: Variant summary: RMRP n.266T>G (also known as NC_000009.11: chr9:g.35657750A>C) alters a nucleotide in the non-coding RNA. The variant allele was found at a frequency of 2.4e-05 in 123340 control chromosomes. The available data on variant occurrences in the general population are insufficient to allow any conclusion about variant significance. To our knowledge, no occurrence of n.266T>G in individuals affected with RMRP-related conditions and no experimental evidence demonstrating its impact on protein function have been reported. ClinVar contains an entry for this variant (Variation ID: 2199597). Based on the evidence outlined above, the variant was classified as uncertain significance.

Labcorp Genetics (formerly Invitae), Labcorp
Classification: Uncertain significance for Anauxetic dysplasia. Last evaluated: 2022-08-23. Review status: criteria provided, single submitter. Criteria: Invitae Variant Classification Sherloc (09022015). Collection method: clinical testing. Allele origin: germline.
Comment: This variant occurs in the RMRP gene, which encodes an RNA molecule that does not result in a protein product. This variant is present in population databases (rs557906740, gnomAD 0.01%). This variant has not been reported in the literature in individuals affected with RMRP-related conditions. Experimental studies and prediction algorithms are not available or were not evaluated, and the functional significance of this variant is currently unknown. In summary, the available evidence is currently insufficient to determine the role of this variant in disease. Therefore, it has been classified as a Variant of Uncertain Significance.